The following is an entry in ClinVar:

NM_007129.5(ZIC2):c.77C>G (p.Ala26Gly)

Gene: ZIC2 (Zic family zinc finger 2; plus strand). Cytogenetic location: 13q32.3.
Variant type: single nucleotide variant.
Coding change: c.77C>G on transcript NM_007129.5 (MANE Select); coding-DNA position 77, C replaced by G.
Protein change: p.Ala26Gly; replaces alanine 26 with glycine.
Molecular consequence: missense variant.
Genome position (GRCh38, 1-based): chr13:99,982,141, C>G. VCF-style: chr13-99982141-C-G. GRCh37 (hg19) VCF-style: chr13-100634395-C-G.
Other names: short protein forms A26G.
Identifiers: ClinVar variation 2244731 (VCV002244731.5), dbSNP rs1402597881, ClinGen allele CA388636512.

ClinVar aggregate classification (germline): Uncertain significance. Review status: criteria provided, multiple submitters, no conflicts (2 of 4 stars). 2 submissions from 2 submitters: Uncertain significance (2). Last evaluated 2023-10-13.

Conditions:
Holoprosencephaly 5 (HPE5). Identifiers: Orphanet 2162, MedGen C1864827, MONDO:0012322, OMIM 609637.
Inborn genetic diseases. Identifiers: MedGen C0950123, MeSH D030342.

Submissions (2):

Labcorp Genetics (formerly Invitae), Labcorp
Classification: Uncertain significance for Holoprosencephaly 5. Last evaluated: 2023-10-13. Review status: criteria provided, single submitter. Criteria: Invitae Variant Classification Sherloc (09022015). Collection method: clinical testing. Allele origin: germline.
Comment: This sequence change replaces alanine, which is neutral and non-polar, with glycine, which is neutral and non-polar, at codon 26 of the ZIC2 protein (p.Ala26Gly). This variant is not present in population databases (gnomAD no frequency). This variant has not been reported in the literature in individuals affected with ZIC2-related conditions. ClinVar contains an entry for this variant (Variation ID: 2244731). An algorithm developed to predict the effect of missense changes on protein structure and function (PolyPhen-2) suggests that this variant is likely to be disruptive. In summary, the available evidence is currently insufficient to determine the role of this variant in disease. Therefore, it has been classified as a Variant of Uncertain Significance.

Ambry Genetics
Classification: Uncertain significance for Inborn genetic diseases. Last evaluated: 2021-08-13. Review status: criteria provided, single submitter. Criteria: Ambry Variant Classification Scheme 2023. Collection method: clinical testing. Allele origin: germline.